The following is an entry in ClinVar:

ClinVar aggregate classification (germline): Likely benign. Review status: criteria provided, multiple submitters, no conflicts (2 of 4 stars). 3 submissions from 3 submitters: Likely benign (2). 1 of the submissions does not count toward it. Last evaluated 2026-01-09.

Conditions:
Familial thoracic aortic aneurysm and aortic dissection (TAAD). Also called: Thoracic aortic aneurysms and dissections. Identifiers: Orphanet 91387, MedGen C4707243, MONDO:0019625.
HYPERHOMOCYSTEINEMIA, THROMBOTIC, CBS-RELATED. Identifiers: MedGen C3150344, OMIM 236200.
CBS-related disorder. Also called: CBS-related condition.

Allele frequency attached by ClinVar (database versions not stated): gnomAD exomes 0.00002; ExAC 0.00003; 1000 Genomes Project 0.00020.

Submissions (3):

Labcorp Genetics (formerly Invitae), Labcorp
Classification: Likely benign for HYPERHOMOCYSTEINEMIA, THROMBOTIC, CBS-RELATED. Last evaluated: 2026-01-09. Review status: criteria provided, single submitter. Criteria: Invitae Variant Classification Sherloc (09022015). Collection method: clinical testing. Allele origin: germline.

Ambry Genetics
Classification: Likely benign for Familial thoracic aortic aneurysm and aortic dissection. Last evaluated: 2019-02-05. Review status: criteria provided, single submitter. Criteria: Ambry Variant Classification Scheme 2023. Collection method: clinical testing. Allele origin: germline.

PreventionGenetics, part of Exact Sciences
Classification: Likely benign for CBS-related condition. Last evaluated: 2021-05-05. Review status: no assertion criteria provided. Collection method: clinical testing. Allele origin: germline. Not counted in ClinVar's aggregate classification.
Comment: This variant is classified as likely benign based on ACMG/AMP sequence variant interpretation guidelines (Richards et al. 2015 PMID: 25741868, with internal and published modifications).

NM_000071.3(CBS):c.1209G>A (p.Thr403=)

Gene: CBS (cystathionine beta-synthase; minus strand). Cytogenetic location: 21q22.3.
Variant type: single nucleotide variant.
Coding change: c.1209G>A on transcript NM_000071.3 (MANE Select); coding-DNA position 1209, G replaced by A.
Protein change: p.Thr403=; no amino-acid change (threonine 403 retained).
Molecular consequence: synonymous variant.
Genome position (GRCh38, 1-based): chr21:43,059,240, C>T on the plus strand (G>A on the coding strand, the complement: CBS is on the minus strand). VCF-style: chr21-43059240-C-T. GRCh37 (hg19) VCF-style: chr21-44479350-C-T.
Other names: c.1209G>A, p.Thr403= (NM_001178008.3, NM_001178009.3, NM_001320298.2); c.894G>A, p.Thr298= (NM_001321072.1).
Identifiers: ClinVar variation 471356 (VCV000471356.17), dbSNP rs199967147, ClinGen allele CA321688569.